The following is an entry in ClinVar:

ClinVar aggregate classification (germline): Conflicting classifications of pathogenicity. Review status: criteria provided, conflicting classifications (1 of 4 stars). 2 submissions from 2 submitters: Uncertain significance (1); Likely benign (1). Last evaluated 2025-08-07.

Allele frequency attached by ClinVar (database versions not stated): 1000 Genomes Project 0.00100; 1000 Genomes Project 30x 0.00125; ESP Exome Variant Server 0.00128; gnomAD 0.00169; ExAC 0.00171; TOPMed 0.00178; gnomAD exomes 0.00198.
gnomAD v4.1: 3,145 of 1,597,768 alleles (0.2%); highest among the groups gnomAD compares: Middle Eastern, 0.42%; 10 homozygotes.

Submissions (2):

Ambry Genetics
Classification: Uncertain significance. Last evaluated: 2025-08-07. Review status: criteria provided, single submitter. Criteria: Ambry Variant Classification Scheme 2023. Collection method: clinical testing. Allele origin: germline.

CeGaT Center for Human Genetics Tuebingen
Classification: Likely benign. Last evaluated: 2023-03-01. Review status: criteria provided, single submitter. Criteria: CeGaT Center For Human Genetics Tuebingen Variant Classification Criteria Version 2. Collection method: clinical testing. Allele origin: germline. Affected: yes. Observed: 1 variant allele.
Comment: HEXD: BP4, BS2

NM_001330542.2(HEXD):c.728G>A (p.Arg243Gln)

Gene: HEXD (hexosaminidase D; plus strand). Cytogenetic location: 17q25.3.
Variant type: single nucleotide variant.
Coding change: c.728G>A on transcript NM_001330542.2 (MANE Select); coding-DNA position 728, G replaced by A.
Protein change: p.Arg243Gln; replaces arginine 243 with glutamine.
Molecular consequence: missense variant.
Genome position (GRCh38, 1-based): chr17:82,437,192, G>A. VCF-style: chr17-82437192-G-A. GRCh37 (hg19) VCF-style: chr17-80395068-G-A.
Other names: c.452G>A, p.Arg151Gln (NM_001369487.1, NM_001369488.1); c.728G>A, p.Arg243Gln (NM_173620.3); c.728G>A (NM_173620.2); short protein forms R151Q, R243Q.
Identifiers: ClinVar variation 2648496 (VCV002648496.25), dbSNP rs61978618, ClinGen allele CA8857626.